The following is an entry in ClinVar:

NM_003038.5(SLC1A4):c.418A>G (p.Lys140Glu)

Gene: SLC1A4 (solute carrier family 1 member 4; plus strand). Cytogenetic location: 2p14.
Variant type: single nucleotide variant.
Coding change: c.418A>G on transcript NM_003038.5 (MANE Select); coding-DNA position 418, A replaced by G.
Protein change: p.Lys140Glu; replaces lysine 140 with glutamic acid.
Molecular consequence: missense variant. On other transcripts: intron variant (3).
Genome position (GRCh38, 1-based): chr2:64,990,061, A>G. VCF-style: chr2-64990061-A-G. GRCh37 (hg19) VCF-style: chr2-65217195-A-G.
Other names: c.-134+1441A>G (NM_001348406.2, NM_001193493.2); c.-134+1507A>G (NM_001348407.2); short protein forms K140E.
Identifiers: ClinVar variation 1997236 (VCV001997236.4), dbSNP rs1362442738, ClinGen allele CA347078833.

ClinVar aggregate classification (germline): Uncertain significance (1 of 4 stars; one submission).

Submission:

Labcorp Genetics (formerly Invitae), Labcorp
Classification: Uncertain significance. Last evaluated: 2022-05-21. Review status: criteria provided, single submitter. Criteria: Invitae Variant Classification Sherloc (09022015). Collection method: clinical testing. Allele origin: germline.
Comment: This sequence change replaces lysine, which is basic and polar, with glutamic acid, which is acidic and polar, at codon 140 of the SLC1A4 protein (p.Lys140Glu). This variant is not present in population databases (gnomAD no frequency). This variant has not been reported in the literature in individuals affected with SLC1A4-related conditions. Algorithms developed to predict the effect of missense changes on protein structure and function are either unavailable or do not agree on the potential impact of this missense change (SIFT: "Deleterious"; PolyPhen-2: "Benign"; Align-GVGD: "Class C0"). In summary, the available evidence is currently insufficient to determine the role of this variant in disease. Therefore, it has been classified as a Variant of Uncertain Significance.